The following is an entry in ClinVar:

NM_176824.3(BBS7):c.1311C>T (p.Asn437=)

Gene: BBS7 (Bardet-Biedl syndrome 7; minus strand). Cytogenetic location: 4q27.
Variant type: single nucleotide variant.
Coding change: c.1311C>T on transcript NM_176824.3 (MANE Select); coding-DNA position 1311, C replaced by T.
Protein change: p.Asn437=; no amino-acid change (asparagine 437 retained).
Molecular consequence: synonymous variant.
Genome position (GRCh38, 1-based): chr4:121,839,691, G>A on the plus strand (C>T on the coding strand, the complement: BBS7 is on the minus strand). VCF-style: chr4-121839691-G-A. GRCh37 (hg19) VCF-style: chr4-122760846-G-A.
Other names: c.1311C>T, p.Asn437= (NM_018190.4).
Identifiers: ClinVar variation 347484 (VCV000347484.21), dbSNP rs199812109, ClinGen allele CA3064258.

ClinVar aggregate classification (germline): Conflicting classifications of pathogenicity. Review status: criteria provided, conflicting classifications (1 of 4 stars). 4 submissions from 4 submitters: Uncertain significance (1); Benign (1); Likely benign (2). Last evaluated 2026-04-01.

Conditions:
Bardet-Biedl syndrome 7 (BBS7). Identifiers: Orphanet 110, MedGen C1859565, MONDO:0014435, OMIM 615984.
Bardet-Biedl syndrome (BBS). Identifiers: Orphanet 110, MedGen C0752166, MONDO:0015229.

Allele frequency attached by ClinVar (database versions not stated): 1000 Genomes Project 0.00140; 1000 Genomes Project 30x 0.00141; gnomAD 0.00008 and 0.00016; gnomAD exomes 0.00011 and 0.00023; TOPMed 0.00013; ExAC 0.00024.
gnomAD v4.1: 194 of 1,613,206 alleles (0.012%); highest among the groups gnomAD compares: East Asian, 0.31%; no homozygotes.

Submissions (4):

CeGaT Center for Human Genetics Tuebingen
Classification: Likely benign. Last evaluated: 2026-04-01. Review status: criteria provided, single submitter. Criteria: CeGaT Center For Human Genetics Tuebingen Variant Classification Criteria Version 2. Collection method: clinical testing. Allele origin: germline. Affected: yes. Observed: 2 variant alleles.
Comment: BBS7: BP4, BP7

Labcorp Genetics (formerly Invitae), Labcorp
Classification: Benign for Bardet-Biedl syndrome. Last evaluated: 2026-01-09. Review status: criteria provided, single submitter. Criteria: Invitae Variant Classification Sherloc (09022015). Collection method: clinical testing. Allele origin: germline.

Blueprint Genetics
Classification: Likely benign. Last evaluated: 2024-11-21. Review status: criteria provided, single submitter. Criteria: ACMG Guidelines, 2015. Collection method: clinical testing. Allele origin: germline.

Illumina Laboratory Services, Illumina
Classification: Uncertain significance for Bardet-Biedl syndrome 7. Last evaluated: 2018-01-13. Review status: criteria provided, single submitter. Criteria: ICSL Variant Classification Criteria 13 December 2019. Collection method: clinical testing. Allele origin: germline.